The following is an entry in ClinVar:

NM_001165963.4(SCN1A):c.1166A>C (p.Gln389Pro)

Gene: SCN1A (sodium voltage-gated channel alpha subunit 1; minus strand). Cytogenetic location: 2q24.3.
Variant type: single nucleotide variant.
Coding change: c.1166A>C on transcript NM_001165963.4 (MANE Select); coding-DNA position 1166, A replaced by C.
Protein change: p.Gln389Pro; replaces glutamine 389 with proline.
Molecular consequence: missense variant. On other transcripts: 5 prime UTR variant (1), non-coding transcript variant (1).
Genome position (GRCh38, 1-based): chr2:166,047,631, T>G on the plus strand (A>C on the coding strand, the complement: SCN1A is on the minus strand). VCF-style: chr2-166047631-T-G. GRCh37 (hg19) VCF-style: chr2-166904141-T-G.
Other names: c.1166A>C, p.Gln389Pro (NM_001165964.3, NM_001202435.3, NM_001353948.2 and 10 more transcripts); c.-1260A>C (NM_001353961.2); short protein forms Q389P.
Identifiers: ClinVar variation 1460560 (VCV001460560.9), dbSNP rs2105866610, ClinGen allele CA349071071.

ClinVar aggregate classification (germline): Uncertain significance (1 of 4 stars; one submission).

Conditions:
Early-infantile DEE. Also called: Early infantile epileptic encephalopathy; Ohtahara syndrome; Early infantile epileptic encephalopathy with suppression bursts. Identifiers: Orphanet 1934, MedGen C0393706, MONDO:0800491.

Submission:

Labcorp Genetics (formerly Invitae), Labcorp
Classification: Uncertain significance for Early-infantile DEE. Last evaluated: 2022-07-19. Review status: criteria provided, single submitter. Criteria: Invitae Variant Classification Sherloc (09022015). Collection method: clinical testing. Allele origin: germline.
Comment: In summary, the available evidence is currently insufficient to determine the role of this variant in disease. Therefore, it has been classified as a Variant of Uncertain Significance. Advanced modeling of protein sequence and biophysical properties (such as structural, functional, and spatial information, amino acid conservation, physicochemical variation, residue mobility, and thermodynamic stability) performed at Invitae indicates that this missense variant is expected to disrupt SCN1A protein function. ClinVar contains an entry for this variant (Variation ID: 1460560). This variant has not been reported in the literature in individuals affected with SCN1A-related conditions. This variant is not present in population databases (gnomAD no frequency). This sequence change replaces glutamine, which is neutral and polar, with proline, which is neutral and non-polar, at codon 389 of the SCN1A protein (p.Gln389Pro).